The following is an entry in ClinVar:

NM_023067.4(FOXL2):c.879del (p.Pro294fs)

Gene: FOXL2 (forkhead box L2; minus strand). Cytogenetic location: 3q22.3.
Variant type: Deletion.
Coding change: c.879del on transcript NM_023067.4 (MANE Select); coding-DNA position 879, one base deleted (T; older notation c.879delT).
Protein change: p.Pro294fs; shifts the reading frame from proline 294.
Molecular consequence: frameshift variant.
Genome position (GRCh38, 1-based): chr3:138,945,844, A deleted on the plus strand (T on the coding strand, the reverse complement: FOXL2 is on the minus strand). VCF-style (leftmost placement, unchanged base first): chr3-138945843-GA-G. GRCh37 (hg19) VCF-style: chr3-138664685-GA-G.
Other names: short protein forms P294fs.
Identifiers: ClinVar variation 3670664 (VCV003670664.2).

ClinVar aggregate classification (germline): Pathogenic (1 of 4 stars; one submission).

Submission:

Labcorp Genetics (formerly Invitae), Labcorp
Classification: Pathogenic. Last evaluated: 2024-03-26. Review status: criteria provided, single submitter. Criteria: Invitae Variant Classification Sherloc (09022015). Collection method: clinical testing. Allele origin: germline.
Comment: This sequence change creates a premature translational stop signal (p.Pro294Argfs*62) in the FOXL2 gene. While this is not anticipated to result in nonsense mediated decay, it is expected to disrupt the last 83 amino acid(s) of the FOXL2 protein. The frequency data for this variant in the population databases is considered unreliable, as metrics indicate insufficient coverage at this position in the gnomAD database. This variant has not been reported in the literature in individuals affected with FOXL2-related conditions. This variant disrupts a region of the FOXL2 protein in which other variant(s) (p.Pro319Argfs*40) have been determined to be pathogenic (PMID: 31048069). This suggests that this is a clinically significant region of the protein, and that variants that disrupt it are likely to be disease-causing. For these reasons, this variant has been classified as Pathogenic.

Literature cited by the submitters: PubMed 31048069.